The following is an entry in ClinVar:

ClinVar aggregate classification (germline): Uncertain significance (1 of 4 stars; one submission).

Conditions:
Cerebral cavernous malformation (CCM). Also called: CAVERNOUS ANGIOMA, FAMILIAL; CAVERNOUS ANGIOMATOUS MALFORMATIONS; CEREBRAL CAPILLARY MALFORMATIONS; Cerebral cavernous hemangioma (type); Cerebral cavernous malformations; Cavernous Hemangioma of Brain. Identifiers: Orphanet 221061, MedGen C2919945, MONDO:0000820, OMIM 116860, HP:0033522.

Allele frequency attached by ClinVar (database versions not stated): gnomAD 0.00001; gnomAD exomes 0.00001.
gnomAD v4.1: 14 of 1,613,530 alleles (0.00087%); highest among the groups gnomAD compares: Non-Finnish European, 0.001%; no homozygotes.

Submission:

Labcorp Genetics (formerly Invitae), Labcorp
Classification: Uncertain significance for Cerebral cavernous malformation. Last evaluated: 2022-02-06. Review status: criteria provided, single submitter. Criteria: Invitae Variant Classification Sherloc (09022015). Collection method: clinical testing. Allele origin: germline.
Comment: This sequence change replaces alanine, which is neutral and non-polar, with threonine, which is neutral and polar, at codon 225 of the KRIT1 protein (p.Ala225Thr). This variant is present in population databases (no rsID available, gnomAD 0.007%). This variant has not been reported in the literature in individuals affected with KRIT1-related conditions. Algorithms developed to predict the effect of missense changes on protein structure and function are either unavailable or do not agree on the potential impact of this missense change (SIFT: "Tolerated"; PolyPhen-2: "Possibly Damaging"; Align-GVGD: "Class C0"). In summary, the available evidence is currently insufficient to determine the role of this variant in disease. Therefore, it has been classified as a Variant of Uncertain Significance.

NM_194454.3(KRIT1):c.673G>A (p.Ala225Thr)

Gene: KRIT1 (KRIT1 ankyrin repeat containing; minus strand). Cytogenetic location: 7q21.2.
Variant type: single nucleotide variant.
Coding change: c.673G>A on transcript NM_194454.3 (MANE Select); coding-DNA position 673, G replaced by A.
Protein change: p.Ala225Thr; replaces alanine 225 with threonine.
Molecular consequence: missense variant. On other transcripts: intron variant (1).
Genome position (GRCh38, 1-based): chr7:92,235,459, C>T on the plus strand (G>A on the coding strand, the complement: KRIT1 is on the minus strand). VCF-style: chr7-92235459-C-T. GRCh37 (hg19) VCF-style: chr7-91864773-C-T.
Other names: c.673G>A, p.Ala225Thr (NM_001013406.2, NM_001350669.1, NM_001350670.1 and 29 more transcripts); c.15+75G>A (NM_001350671.1); short protein forms A225T.
Identifiers: ClinVar variation 2139548 (VCV002139548.4), dbSNP rs1327383758, ClinGen allele CA368159883.